The following is an entry in ClinVar:

NM_002972.4(SBF1):c.1677C>T (p.Ser559=)

Gene: SBF1 (SET binding factor 1; minus strand). Cytogenetic location: 22q13.33.
Variant type: single nucleotide variant.
Coding change: c.1677C>T on transcript NM_002972.4 (MANE Select); coding-DNA position 1677, C replaced by T.
Protein change: p.Ser559=; no amino-acid change (serine 559 retained).
Molecular consequence: synonymous variant.
Genome position (GRCh38, 1-based): chr22:50,464,401, G>A on the plus strand (C>T on the coding strand, the complement: SBF1 is on the minus strand). VCF-style: chr22-50464401-G-A. GRCh37 (hg19) VCF-style: chr22-50902830-G-A.
Other names: c.1680C>T, p.Ser560= (NM_001365819.1).
Identifiers: ClinVar variation 735997 (VCV000735997.32), dbSNP rs201649082, ClinGen allele CA10317564.

ClinVar aggregate classification (germline): Likely benign. Review status: criteria provided, multiple submitters, no conflicts (2 of 4 stars). 2 submissions from 2 submitters: Likely benign (2). Last evaluated 2026-09-01.

Allele frequency attached by ClinVar (database versions not stated): ExAC 0.00002; gnomAD exomes 0.00003 and 0.00005; gnomAD 0.00004 and 0.00005; TOPMed 0.00005.
gnomAD v4.1: 75 of 1,613,972 alleles (0.0046%); highest among the groups gnomAD compares: Non-Finnish European, 0.0056%; no homozygotes.

Submissions (2):

CeGaT Center for Human Genetics Tuebingen
Classification: Likely benign. Last evaluated: 2026-09-01. Review status: criteria provided, single submitter. Criteria: CeGaT Center For Human Genetics Tuebingen Variant Classification Criteria Version 2. Collection method: clinical testing. Allele origin: germline. Affected: yes. Observed: 3 variant alleles.
Comment: SBF1: BP4, BP7

Labcorp Genetics (formerly Invitae), Labcorp
Classification: Likely benign. Last evaluated: 2024-10-10. Review status: criteria provided, single submitter. Criteria: Invitae Variant Classification Sherloc (09022015). Collection method: clinical testing. Allele origin: germline.